The following is an entry in ClinVar:

ClinVar aggregate classification (germline): Uncertain significance. Review status: criteria provided, multiple submitters, no conflicts (2 of 4 stars). 3 submissions from 3 submitters: Uncertain significance (3). Last evaluated 2025-04-11.

Conditions:
Inborn genetic diseases. Identifiers: MedGen C0950123, MeSH D030342.
Charcot-Marie-Tooth disease type 2E (CMT2E). Also called: CHARCOT-MARIE-TOOTH DISEASE, AXONAL, TYPE 2E; CHARCOT-MARIE-TOOTH NEUROPATHY, TYPE 2E. Identifiers: Orphanet 99939, MedGen C1843225, MONDO:0011894, OMIM 607684.

Allele frequency attached by ClinVar (database versions not stated): gnomAD exomes 0.00001; TOPMed below 0.00001.
gnomAD v4.1: 7 of 1,611,690 alleles (0.00043%); highest among the groups gnomAD compares: Middle Eastern, 0.12%; no homozygotes.

Submissions (3):

GeneDx
Classification: Uncertain significance. Last evaluated: 2025-04-11. Review status: criteria provided, single submitter. Criteria: GeneDx Variant Classification Process June 2021. Collection method: clinical testing. Allele origin: germline. Affected: yes.
Comment: Has not been previously published as pathogenic or benign to our knowledge; In-silico analysis is inconclusive as to whether the variant impacts protein structure/function. In the absence of functional studies, the actual effect of this sequence change is unknown

Ambry Genetics
Classification: Uncertain significance for Inborn genetic diseases. Last evaluated: 2025-02-20. Review status: criteria provided, single submitter. Criteria: Ambry Variant Classification Scheme 2023. Collection method: clinical testing. Allele origin: germline.

Labcorp Genetics (formerly Invitae), Labcorp
Classification: Uncertain significance for Charcot-Marie-Tooth disease type 2E. Last evaluated: 2025-02-16. Review status: criteria provided, single submitter. Criteria: Invitae Variant Classification Sherloc (09022015). Collection method: clinical testing. Allele origin: germline.
Comment: This sequence change replaces aspartic acid, which is acidic and polar, with valine, which is neutral and non-polar, at codon 96 of the NEFL protein (p.Asp96Val). This variant is present in population databases (no rsID available, gnomAD no frequency). This variant has not been reported in the literature in individuals affected with NEFL-related conditions. ClinVar contains an entry for this variant (Variation ID: 2899140). Invitae Evidence Modeling of protein sequence and biophysical properties (such as structural, functional, and spatial information, amino acid conservation, physicochemical variation, residue mobility, and thermodynamic stability) indicates that this missense variant is not expected to disrupt NEFL protein function with a negative predictive value of 80%. In summary, the available evidence is currently insufficient to determine the role of this variant in disease. Therefore, it has been classified as a Variant of Uncertain Significance.

NM_006158.5(NEFL):c.287A>T (p.Asp96Val)

Gene: NEFL (neurofilament light chain; minus strand). Cytogenetic location: 8p21.2.
Variant type: single nucleotide variant.
Coding change: c.287A>T on transcript NM_006158.5 (MANE Select); coding-DNA position 287, A replaced by T.
Protein change: p.Asp96Val; replaces aspartic acid 96 with valine.
Molecular consequence: missense variant.
Genome position (GRCh38, 1-based): chr8:24,956,229, T>A on the plus strand (A>T on the coding strand, the complement: NEFL is on the minus strand). VCF-style: chr8-24956229-T-A. GRCh37 (hg19) VCF-style: chr8-24813743-T-A.
Other names: c.287A>T (NM_006158.3); short protein forms D96V.
Identifiers: ClinVar variation 2899140 (VCV002899140.5), dbSNP rs868333696, ClinGen allele CA174061513.